The following is an entry in ClinVar:

NM_032590.5(KDM2B):c.46C>T (p.Arg16Ter)

Genes: KDM2B-DT (KDM2B divergent transcript; plus strand), KDM2B (lysine demethylase 2B; minus strand). Cytogenetic location: 12q24.31.
Variant type: single nucleotide variant.
Coding change: c.46C>T on transcript NM_032590.5 (MANE Select); coding-DNA position 46, C replaced by T.
Protein change: p.Arg16Ter; replaces arginine 16 with a stop codon.
Molecular consequence: nonsense.
Genome position (GRCh38, 1-based): chr12:121,580,866, G>A on the plus strand (C>T on the coding strand, the complement: KDM2B is on the minus strand). VCF-style: chr12-121580866-G-A. GRCh37 (hg19) VCF-style: chr12-122018771-G-A.
Other names: short protein forms R16*.
Identifiers: ClinVar variation 403007 (VCV000403007.4), dbSNP rs376781406, ClinGen allele CA6837379.

ClinVar aggregate classification (germline): Uncertain significance (1 of 4 stars; one submission).

Allele frequency attached by ClinVar (database versions not stated): ExAC 0.00001; gnomAD exomes 0.00001; gnomAD 0.00006 and 0.00007; TOPMed 0.00006; ESP Exome Variant Server 0.00008.
gnomAD v4.1: 59 of 1,613,642 alleles (0.0037%); highest among the groups gnomAD compares: Admixed American, 0.017%; no homozygotes.

Submission:

Laboratory for Molecular Medicine, Mass General Brigham Personalized Medicine
Classification: Uncertain significance. Last evaluated: 2016-03-29. Review status: criteria provided, single submitter. Criteria: LMM Criteria. Collection method: clinical testing. Allele origin: germline.
Comment: Variant identified in a genome or exome case(s) and assessed due to predicted null impact of the variant or pathogenic assertions in the literature or databases. Disclaimer: This variant has not undergone full assessment. The following are preliminary notes: Protein has effects on proliferation and DNA repair. Gene associated with acute myeloid leukemia, pancreatic cancer. Low level of KDM2B found in agressive brain tumors (according to a dissertation from 2008). However, exon 1 is poorly conserved, and there is a framshift variant in this exon in 0.4% of European chromosomes. There really isn't sufficient evidence available to conclude that KDM2B variants cause cancer in humans (no reports of specific variants, just expression studies in tumors and in vitro studies)